The following is an entry in ClinVar:

NM_012418.4(FSCN2):c.64C>T (p.Arg22Cys)

Gene: FSCN2 (fascin actin-bundling protein 2, retinal; plus strand). Cytogenetic location: 17q25.3.
Variant type: single nucleotide variant.
Coding change: c.64C>T on transcript NM_012418.4 (MANE Select); coding-DNA position 64, C replaced by T.
Protein change: p.Arg22Cys; replaces arginine 22 with cysteine.
Molecular consequence: missense variant.
Genome position (GRCh38, 1-based): chr17:81,528,595, C>T. VCF-style: chr17-81528595-C-T. GRCh37 (hg19) VCF-style: chr17-79495621-C-T.
Other names: c.64C>T, p.Arg22Cys (NM_001077182.3); short protein forms R22C.
Identifiers: ClinVar variation 935971 (VCV000935971.10), dbSNP rs368996304, ClinGen allele CA8836571.

ClinVar aggregate classification (germline): Uncertain significance. Review status: criteria provided, multiple submitters, no conflicts (2 of 4 stars). 2 submissions from 2 submitters: Uncertain significance (2). Last evaluated 2025-10-01.

Allele frequency attached by ClinVar (database versions not stated): gnomAD 0.00003 and 0.00004; TOPMed 0.00004; ESP Exome Variant Server 0.00008.
gnomAD v4.1: 40 of 1,608,834 alleles (0.0025%); highest among the groups gnomAD compares: South Asian, 0.014%; no homozygotes.

Submissions (2):

Ambry Genetics
Classification: Uncertain significance. Last evaluated: 2025-10-01. Review status: criteria provided, single submitter. Criteria: Ambry Variant Classification Scheme 2023. Collection method: clinical testing. Allele origin: germline.

Labcorp Genetics (formerly Invitae), Labcorp
Classification: Uncertain significance. Last evaluated: 2025-02-14. Review status: criteria provided, single submitter. Criteria: Invitae Variant Classification Sherloc (09022015). Collection method: clinical testing. Allele origin: germline.
Comment: This sequence change replaces arginine, which is basic and polar, with cysteine, which is neutral and slightly polar, at codon 22 of the FSCN2 protein (p.Arg22Cys). This variant is present in population databases (rs368996304, gnomAD 0.02%). This variant has not been reported in the literature in individuals affected with FSCN2-related conditions. ClinVar contains an entry for this variant (Variation ID: 935971). An algorithm developed to predict the effect of missense changes on protein structure and function (PolyPhen-2) suggests that this variant is likely to be disruptive. In summary, the available evidence is currently insufficient to determine the role of this variant in disease. Therefore, it has been classified as a Variant of Uncertain Significance.